The following is an entry in ClinVar:

NM_001376.5(DYNC1H1):c.8224G>A (p.Ala2742Thr)

Gene: DYNC1H1 (dynein cytoplasmic 1 heavy chain 1; plus strand). Cytogenetic location: 14q32.31.
Variant type: single nucleotide variant.
Coding change: c.8224G>A on transcript NM_001376.5 (MANE Select); coding-DNA position 8224, G replaced by A.
Protein change: p.Ala2742Thr; replaces alanine 2742 with threonine.
Molecular consequence: missense variant.
Genome position (GRCh38, 1-based): chr14:102,018,497, G>A. VCF-style: chr14-102018497-G-A. GRCh37 (hg19) VCF-style: chr14-102484834-G-A.
Other names: short protein forms A2742T.
Identifiers: ClinVar variation 651664 (VCV000651664.9), dbSNP rs773460120, ClinGen allele CA7352978.
Genomic context (GRCh38, chr14:102,018,497, plus strand): 5'-CTATCTGTGCACAGGTTCCTGCGCCACGTGCCTGTCGTGTATGTGGATTACCCGGGCCCC[G>A]CCTCCCTCACACAGATCTACGGCACCTTCAACCGCGCCATGCTGAGGCTCATTCCATCCC-3'
Protein context (NP_001367.2, residues 2732-2752): PVVYVDYPGP[Ala2742Thr]SLTQIYGTFN

ClinVar aggregate classification (germline): Conflicting classifications of pathogenicity. Review status: criteria provided, conflicting classifications (1 of 4 stars). 2 submissions from 2 submitters: Uncertain significance (1); Likely benign (1). Last evaluated 2024-07-01.

Conditions:
Charcot-Marie-Tooth disease axonal type 2O. Also called: Charcot-Marie-Tooth disease, axonal, type 20; CHARCOT-MARIE-TOOTH NEUROPATHY, AXONAL, TYPE 2O; CHARCOT-MARIE-TOOTH DISEASE, AXONAL, AUTOSOMAL DOMINANT, TYPE 2O; Charcot-Marie-Tooth Neuropathy Type 2O. Identifiers: Orphanet 284232, MedGen C3280220, MONDO:0013644, OMIM 614228.

Allele frequency attached by ClinVar (database versions not stated): gnomAD exomes below 0.00001; ExAC 0.00001; gnomAD 0.00002; TOPMed 0.00002.
gnomAD v4.1: 5 of 1,613,840 alleles (0.00031%); highest among the groups gnomAD compares: Non-Finnish European, 0.00042%; no homozygotes.

Submissions (2):

Labcorp Genetics (formerly Invitae), Labcorp
Classification: Likely benign for Charcot-Marie-Tooth disease axonal type 2O. Last evaluated: 2024-07-01. Review status: criteria provided, single submitter. Criteria: Invitae Variant Classification Sherloc (09022015). Collection method: clinical testing. Allele origin: germline.

GeneDx
Classification: Uncertain significance. Last evaluated: 2024-04-15. Review status: criteria provided, single submitter. Criteria: GeneDx Variant Classification Process June 2021. Collection method: clinical testing. Allele origin: germline. Affected: yes.
Comment: In silico analysis indicates that this missense variant does not alter protein structure/function; Has not been previously published as pathogenic or benign to our knowledge; This variant is associated with the following publications: (PMID: 25512093, 25609763, 26100331)